The following is an entry in ClinVar:

NM_033305.3(VPS13A):c.1138delinsACTGTCTCTTATACACATCT (p.Gly380fs)

Gene: VPS13A (vacuolar protein sorting 13 homolog A; plus strand). Cytogenetic location: 9q21.2.
Variant type: Indel.
Coding change: c.1138delinsACTGTCTCTTATACACATCT on transcript NM_033305.3 (MANE Select); coding-DNA position 1138, G replaced by ACTGTCTCTTATACACATCT.
Protein change: p.Gly380fs; shifts the reading frame from glycine 380.
Molecular consequence: frameshift variant.
Genome position (GRCh38, 1-based): chr9:77,221,333, G replaced by ACTGTCTCTTATACACATCT. VCF-style: chr9-77221333-G-ACTGTCTCTTATACACATCT. GRCh37 (hg19) VCF-style: chr9-79836249-G-ACTGTCTCTTATACACATCT.
Other names: c.1138delinsACTGTCTCTTATACACATCT, p.Gly380fs (NM_001018037.2, NM_001018038.3, NM_015186.4); short protein forms G380fs.
Identifiers: ClinVar variation 5010370 (VCV005010370.1).

ClinVar aggregate classification (germline): Pathogenic (1 of 4 stars; one submission).

Conditions:
VPS13A-related neurodegenerative disease. Also called: ACANTHOCYTOSIS WITH NEUROLOGIC DISORDER; LEVINE-CRITCHLEY SYNDROME; Choreoacanthocytosis; Chorea-acanthocytosis; Choreaacanthocytosis; VPS13A Disease. Identifiers: Orphanet 2388, MedGen C0393576, MONDO:0008695, OMIM 200150.

Submission:

Myriad Genetics, Inc.
Classification: Pathogenic for VPS13A-related neurodegenerative disease. Last evaluated: 2024-05-14. Review status: criteria provided, single submitter. Criteria: Myriad Autosomal Dominant, Autosomal Recessive and X-Linked Classification Criteria (2023). Collection method: clinical testing. Allele origin: unknown.
Comment: NM_033305.2(VPS13A):c.1138del1ins20(G380Tfs*8) is expected to be pathogenic in the context of VPS13A disease. This variant is predicted to lead to an abnormal or absent protein product due to the creation of a premature termination codon in VPS13A, a gene where loss-of-function variants are known to be pathogenic. Please note: this variant was assessed in the context of healthy population screening.